The following is an entry in ClinVar:

NM_022437.3(ABCG8):c.1201A>T (p.Thr401Ser)

Gene: ABCG8 (ATP binding cassette subfamily G member 8; plus strand). Cytogenetic location: 2p21.
Variant type: single nucleotide variant.
Coding change: c.1201A>T on transcript NM_022437.3 (MANE Select); coding-DNA position 1201, A replaced by T.
Protein change: p.Thr401Ser; replaces threonine 401 with serine.
Molecular consequence: missense variant.
Genome position (GRCh38, 1-based): chr2:43,872,296, A>T. VCF-style: chr2-43872296-A-T. GRCh37 (hg19) VCF-style: chr2-44099435-A-T.
Other names: p.Thr401Ser; c.1198A>T, p.Thr400Ser (NM_001357321.2); short protein forms T401S, T400S.
Identifiers: ClinVar variation 198901 (VCV000198901.58), dbSNP rs144200355, ClinGen allele CA247798.

ClinVar aggregate classification (germline): Conflicting classifications of pathogenicity. Review status: criteria provided, conflicting classifications (1 of 4 stars). 12 submissions from 12 submitters: Uncertain significance (4); Benign (1); Likely benign (6). 1 of the submissions does not count toward it. Last evaluated 2026-02-03.

Conditions:
ABCG8-related disorder. Also called: ABCG8-related condition.
Sitosterolemia 1. Identifiers: MedGen C2749759, MONDO:0020747, OMIM 210250.
Cardiovascular phenotype. Identifiers: MedGen CN230736.
Sitosterolemia (STSL). Also called: PHYTOSTEROLEMIA. Identifiers: Orphanet 2882, MedGen C0342907, MONDO:0008863.
Gallbladder disease 4 (GBD4). Identifiers: MedGen C1969115, MONDO:1010151, OMIM 611465.

Allele frequency attached by ClinVar (database versions not stated): 1000 Genomes Project 0.00060; 1000 Genomes Project 30x 0.00078; gnomAD exomes 0.00152; ExAC 0.00156; ESP Exome Variant Server 0.00169; gnomAD 0.00175 and 0.00179; TOPMed 0.00199.
gnomAD v4.1: 3,339 of 1,613,736 alleles (0.21%); highest among the groups gnomAD compares: Middle Eastern, 1.3%; 16 homozygotes.

Submissions (12):

Labcorp Genetics (formerly Invitae), Labcorp
Classification: Likely benign. Last evaluated: 2026-02-03. Review status: criteria provided, single submitter. Criteria: Invitae Variant Classification Sherloc (09022015). Collection method: clinical testing. Allele origin: germline.

Women's Health and Genetics/Laboratory Corporation of America, LabCorp
Classification: Uncertain significance. Last evaluated: 2025-12-23. Review status: criteria provided, single submitter. Criteria: LabCorp Variant Classification Summary - May 2015. Collection method: clinical testing. Allele origin: germline.
Comment: Variant summary: ABCG8 c.1201A>T (p.Thr401Ser) results in a conservative amino acid change in the encoded protein sequence. Algorithms developed to predict the effect of missense changes on protein structure and function all suggest that this variant is likely to be tolerated. The variant allele was found at a frequency of 0.0021 in 1613736 control chromosomes in the gnomAD database, including 16 homozygotes. This frequency is not significantly higher than estimated for disease-causing variants in ABCG8, allowing no conclusion about variant significance. To our knowledge, c.1201A>T has not been observed in individual(s) affected with Early Onset Coronary Artery Disease. The following publication has been ascertained in the context of this evaluation (PMID: 38122934). ClinVar contains an entry for this variant (Variation ID: 198901). Based on the evidence outlined above, the variant was classified as uncertain significance.

CeGaT Center for Human Genetics Tuebingen
Classification: Likely benign. Last evaluated: 2025-09-01. Review status: criteria provided, single submitter. Criteria: CeGaT Center For Human Genetics Tuebingen Variant Classification Criteria Version 2. Collection method: clinical testing. Allele origin: germline. Affected: yes. Observed: 3 variant alleles.
Comment: ABCG8: BP4, BS2

Mayo Clinic Laboratories, Mayo Clinic
Classification: Likely benign. Last evaluated: 2025-08-05. Review status: criteria provided, single submitter. Criteria: ACMG Guidelines, 2015. Collection method: clinical testing. Allele origin: germline. Observed: 12 variant alleles.
Comment: BS2, BP4_moderate

Blueprint Genetics
Classification: Likely benign. Last evaluated: 2024-11-22. Review status: criteria provided, single submitter. Criteria: ACMG Guidelines, 2015. Collection method: clinical testing. Allele origin: germline.

Ambry Genetics
Classification: Likely benign for Cardiovascular phenotype. Last evaluated: 2023-09-23. Review status: criteria provided, single submitter. Criteria: Ambry Variant Classification Scheme 2023. Collection method: clinical testing. Allele origin: germline.

GeneDx
Classification: Likely benign. Last evaluated: 2020-09-03. Review status: criteria provided, single submitter. Criteria: GeneDx Variant Classification Process June 2021. Collection method: clinical testing. Allele origin: germline. Affected: yes.
Comment: This variant is associated with the following publications: (PMID: 20854103)

Fulgent Genetics
Classification: Uncertain significance for Sitosterolemia 1; Gallbladder disease 4. Last evaluated: 2018-10-31. Review status: criteria provided, single submitter. Criteria: ACMG Guidelines, 2015. Collection method: clinical testing. Allele origin: unknown.

Eurofins Ntd Llc (ga)
Classification: Uncertain significance. Last evaluated: 2018-02-09. Review status: criteria provided, single submitter. Criteria: EGL ClinVar v180209 classification definitions. Collection method: clinical testing. Allele origin: germline. Observed: 17 variant alleles, 17 heterozygotes.

Illumina Laboratory Services, Illumina
Classification: Uncertain significance for Sitosterolemia 1. Last evaluated: 2017-04-27. Review status: criteria provided, single submitter. Criteria: ICSL Variant Classification Criteria 13 December 2019. Collection method: clinical testing. Allele origin: germline.
Comment: This variant was observed as part of a predisposition screen in an ostensibly healthy population. A literature search was performed for the gene, cDNA change, and amino acid change (where applicable). Publications were found based on this search. However, the evidence from the literature, in combination with allele frequency data from public databases where available, was not sufficient to rule this variant in or out of causing disease. Therefore, this variant is classified as a variant of unknown significance.

Molecular Diagnostic Laboratory for Inherited Cardiovascular Disease, Montreal Heart Institute
Classification: Benign. Review status: criteria provided, single submitter. Criteria: ACMG Guidelines, 2015. Collection method: clinical testing. Allele origin: germline. Affected: yes.

PreventionGenetics, part of Exact Sciences
Classification: Likely benign for ABCG8-related condition. Last evaluated: 2022-02-04. Review status: no assertion criteria provided. Collection method: clinical testing. Allele origin: germline. Not counted in ClinVar's aggregate classification.
Comment: This variant is classified as likely benign based on ACMG/AMP sequence variant interpretation guidelines (Richards et al. 2015 PMID: 25741868, with internal and published modifications).

Literature cited by the submitters: PubMed 38122934 (cited by Women's Health and Genetics/Laboratory Corporation of America, LabCorp); PubMed 20854103 (cited by Mayo Clinic Laboratories, Mayo Clinic and Illumina Laboratory Services, Illumina); PubMed 23685560 (cited by Mayo Clinic Laboratories, Mayo Clinic and Ambry Genetics); PubMed 32088153 (cited by Mayo Clinic Laboratories, Mayo Clinic); PubMed 32702746 (cited by Mayo Clinic Laboratories, Mayo Clinic); PubMed 36973604 (cited by Mayo Clinic Laboratories, Mayo Clinic and Ambry Genetics).